The following is an entry in ClinVar:

NM_182972.3(IRF2BP2):c.117C>T (p.Gly39=)

Gene: IRF2BP2 (interferon regulatory factor 2 binding protein 2; minus strand). Cytogenetic location: 1q42.3.
Variant type: single nucleotide variant.
Coding change: c.117C>T on transcript NM_182972.3 (MANE Select); coding-DNA position 117, C replaced by T.
Protein change: p.Gly39=; no amino-acid change (glycine 39 retained).
Molecular consequence: synonymous variant.
Genome position (GRCh38, 1-based): chr1:234,609,378, G>A on the plus strand (C>T on the coding strand, the complement: IRF2BP2 is on the minus strand). VCF-style: chr1-234609378-G-A. GRCh37 (hg19) VCF-style: chr1-234745124-G-A.
Other names: c.117C>T, p.Gly39= (NM_001077397.1).
Identifiers: ClinVar variation 1979845 (VCV001979845.28), dbSNP rs776001564, ClinGen allele CA1461894.
Genomic context (GRCh38, chr1:234,609,378, plus strand): 5'-GAGCTGCCGCGCCGTCTCGATGACGAACTCGACGCGGTCGGCGCCCTCGTAGTTGACGCA[G>A]CCGCGGCAGACGGGTTCGGTGAAGTCCCAGATCATGGCCCAGGGCATGCGGGGCAGGTCA-3'
Protein context (NP_892017.2, residues 29-49): IWDFTEPVCR[Gly39=]CVNYEGADRV

ClinVar aggregate classification (germline): Likely benign. Review status: criteria provided, multiple submitters, no conflicts (2 of 4 stars). 2 submissions from 2 submitters: Likely benign (2). Last evaluated 2025-10-08.

Allele frequency attached by ClinVar (database versions not stated): TOPMed 0.00004; gnomAD 0.00005; gnomAD exomes 0.00009; ExAC 0.00014.
gnomAD v4.1: 128 of 1,557,122 alleles (0.0082%); highest among the groups gnomAD compares: South Asian, 0.013%; no homozygotes.

Submissions (2):

Labcorp Genetics (formerly Invitae), Labcorp
Classification: Likely benign. Last evaluated: 2025-10-08. Review status: criteria provided, single submitter. Criteria: Invitae Variant Classification Sherloc (09022015). Collection method: clinical testing. Allele origin: germline.

CeGaT Center for Human Genetics Tuebingen
Classification: Likely benign. Last evaluated: 2022-07-01. Review status: criteria provided, single submitter. Criteria: CeGaT Center For Human Genetics Tuebingen Variant Classification Criteria Version 2. Collection method: clinical testing. Allele origin: germline. Affected: yes. Observed: 1 variant allele.
Comment: IRF2BP2: BP4, BP7